The following is an entry in ClinVar:

ClinVar aggregate classification (germline): Uncertain significance (1 of 4 stars; one submission).

Conditions:
Dyskeratosis congenita. Identifiers: Orphanet 1775, MedGen C0265965, MONDO:0015780.

Allele frequency attached by ClinVar (database versions not stated): gnomAD exomes below 0.00001.

Submission:

Labcorp Genetics (formerly Invitae), Labcorp
Classification: Uncertain significance for Dyskeratosis congenita. Last evaluated: 2021-08-31. Review status: criteria provided, single submitter. Criteria: Invitae Variant Classification Sherloc (09022015). Collection method: clinical testing. Allele origin: germline.
Comment: This sequence change replaces histidine with arginine at codon 737 of the CTC1 protein (p.His737Arg). The histidine residue is moderately conserved and there is a small physicochemical difference between histidine and arginine. This variant is not present in population databases (ExAC no frequency). This variant has not been reported in the literature in individuals affected with CTC1-related conditions. Algorithms developed to predict the effect of missense changes on protein structure and function (SIFT, PolyPhen-2, Align-GVGD) all suggest that this variant is likely to be tolerated. In summary, the available evidence is currently insufficient to determine the role of this variant in disease. Therefore, it has been classified as a Variant of Uncertain Significance.

NM_025099.6(CTC1):c.2210A>G (p.His737Arg)

Gene: CTC1 (CST telomere replication complex component 1; minus strand). Cytogenetic location: 17p13.1.
Variant type: single nucleotide variant.
Coding change: c.2210A>G on transcript NM_025099.6 (MANE Select); coding-DNA position 2210, A replaced by G.
Protein change: p.His737Arg; replaces histidine 737 with arginine.
Molecular consequence: missense variant. On other transcripts: non-coding transcript variant (1).
Genome position (GRCh38, 1-based): chr17:8,232,078, T>C on the plus strand (A>G on the coding strand, the complement: CTC1 is on the minus strand). VCF-style: chr17-8232078-T-C. GRCh37 (hg19) VCF-style: chr17-8135396-T-C.
Other names: short protein forms H737R.
Identifiers: ClinVar variation 1043791 (VCV001043791.6), dbSNP rs537646611, ClinGen allele CA287533711.